The following is an entry in ClinVar:

ClinVar aggregate classification (germline): Uncertain significance (1 of 4 stars; one submission).

Submission:

CeGaT Center for Human Genetics Tuebingen
Classification: Uncertain significance. Last evaluated: 2025-11-01. Review status: criteria provided, single submitter. Criteria: CeGaT Center For Human Genetics Tuebingen Variant Classification Criteria Version 2. Collection method: clinical testing. Allele origin: germline. Affected: yes. Observed: 1 variant allele.
Comment: CTNND1: PM2, BP4

NM_001085458.2(CTNND1):c.640A>G (p.Ser214Gly)

Genes: CTNND1 (catenin delta 1; plus strand), TMX2-CTNND1 (TMX2-CTNND1 readthrough (NMD candidate); plus strand). Cytogenetic location: 11q12.1.
Variant type: single nucleotide variant.
Coding change: c.640A>G on transcript NM_001085458.2 (MANE Select); coding-DNA position 640, A replaced by G.
Protein change: p.Ser214Gly; replaces serine 214 with glycine.
Molecular consequence: missense variant. On other transcripts: non-coding transcript variant (1).
Genome position (GRCh38, 1-based): chr11:57,796,676, A>G. VCF-style: chr11-57796676-A-G. GRCh37 (hg19) VCF-style: chr11-57564148-A-G.
Other names: c.640A>G, p.Ser214Gly (NM_001085459.2, NM_001085460.2, NM_001085461.2 and 3 more transcripts); c.337A>G, p.Ser113Gly (NM_001085463.2, NM_001085464.2, NM_001085465.2 and 5 more transcripts); c.478A>G, p.Ser160Gly (NM_001206883.2, NM_001206884.2, NM_001206886.2 and 4 more transcripts); short protein forms S113G, S160G, S214G.
Identifiers: ClinVar variation 4533657 (VCV004533657.6).